The following is an entry in ClinVar:

NM_000143.4(FH):c.1305G>T (p.Val435=)

Gene: FH (fumarate hydratase; minus strand). Cytogenetic location: 1q43.
Variant type: single nucleotide variant.
Coding change: c.1305G>T on transcript NM_000143.4 (MANE Select); coding-DNA position 1305, G replaced by T.
Protein change: p.Val435=; no amino-acid change (valine 435 retained).
Molecular consequence: synonymous variant.
Genome position (GRCh38, 1-based): chr1:241,500,522, C>A on the plus strand (G>T on the coding strand, the complement: FH is on the minus strand). VCF-style: chr1-241500522-C-A. GRCh37 (hg19) VCF-style: chr1-241663822-C-A.
Identifiers: ClinVar variation 1136312 (VCV001136312.12), dbSNP rs772415507, ClinGen allele CA1478482.

ClinVar aggregate classification (germline): Benign/Likely benign. Review status: criteria provided, multiple submitters, no conflicts (2 of 4 stars). 3 submissions from 3 submitters: Benign (1); Likely benign (2). Last evaluated 2025-10-09.

Conditions:
Hereditary cancer-predisposing syndrome. Also called: Tumor predisposition; Hereditary Cancer Syndrome; Hereditary neoplastic syndrome; Neoplastic Syndromes, Hereditary. Identifiers: Orphanet 140162, MedGen C0027672, MeSH D009386, MONDO:0015356.
Hereditary leiomyomatosis and renal cell cancer. Also called: MULTIPLE CUTANEOUS AND UTERINE LEIOMYOMATA 1, WITH OR WITHOUT RENAL CELL CARCINOMA; LEIOMYOMA, MULTIPLE CUTANEOUS; Familial leiomyomatosis; FH tumor predisposition syndrome; Reed syndrome; Multiple cutaneous and uterine leiomyomatosis. Identifiers: Orphanet 523, MedGen C1708350, MONDO:0007888, OMIM 150800, HP:0007437. Disease mechanism: loss of function.

Allele frequency attached by ClinVar (database versions not stated): gnomAD exomes below 0.00001; ExAC 0.00001.

Submissions (3):

Labcorp Genetics (formerly Invitae), Labcorp
Classification: Likely benign. Last evaluated: 2025-10-09. Review status: criteria provided, single submitter. Criteria: Invitae Variant Classification Sherloc (09022015). Collection method: clinical testing. Allele origin: germline.

Myriad Genetics, Inc.
Classification: Benign for Hereditary leiomyomatosis and renal cell cancer. Last evaluated: 2024-10-21. Review status: criteria provided, single submitter. Criteria: Myriad Autosomal Dominant, Autosomal Recessive and X-Linked Classification Criteria (2023). Collection method: clinical testing. Allele origin: unknown.
Comment: This variant is considered benign. This variant is a silent/synonymous amino acid change and it is not expected to impact splicing.

Ambry Genetics
Classification: Likely benign for Hereditary cancer-predisposing syndrome. Last evaluated: 2020-06-01. Review status: criteria provided, single submitter. Criteria: Ambry Variant Classification Scheme 2023. Collection method: clinical testing. Allele origin: germline.